The following is an entry in ClinVar:

NM_032217.5(ANKRD17):c.5695A>G (p.Thr1899Ala)

Gene: ANKRD17 (ankyrin repeat domain 17; minus strand). Cytogenetic location: 4q13.3.
Variant type: single nucleotide variant.
Coding change: c.5695A>G on transcript NM_032217.5 (MANE Select); coding-DNA position 5695, A replaced by G.
Protein change: p.Thr1899Ala; replaces threonine 1899 with alanine.
Molecular consequence: missense variant.
Genome position (GRCh38, 1-based): chr4:73,091,933, T>C on the plus strand (A>G on the coding strand, the complement: ANKRD17 is on the minus strand). VCF-style: chr4-73091933-T-C. GRCh37 (hg19) VCF-style: chr4-73957650-T-C.
Other names: c.5356A>G, p.Thr1786Ala (NM_001286771.3); c.5692A>G, p.Thr1898Ala (NM_015574.2); c.4942A>G, p.Thr1648Ala (NM_198889.3); short protein forms T1648A, T1786A, T1898A, T1899A.
Identifiers: ClinVar variation 3900971 (VCV003900971.1).

ClinVar aggregate classification (germline): Uncertain significance (1 of 4 stars; one submission).

Submission:

GeneDx
Classification: Uncertain significance. Last evaluated: 2024-12-02. Review status: criteria provided, single submitter. Criteria: GeneDx Variant Classification Process June 2021. Collection method: clinical testing. Allele origin: germline. Affected: yes.
Comment: Not observed at significant frequency in large population cohorts (gnomAD); In silico analysis supports that this missense variant has a deleterious effect on protein structure/function; Has not been previously published as pathogenic or benign to our knowledge